The following is an entry in ClinVar:

NM_003722.5(TP63):c.699A>G (p.Lys233=)

Gene: TP63 (tumor protein p63; plus strand). Cytogenetic location: 3q28.
Variant type: single nucleotide variant.
Coding change: c.699A>G on transcript NM_003722.5 (MANE Select); coding-DNA position 699, A replaced by G.
Protein change: p.Lys233=; no amino-acid change (lysine 233 retained).
Molecular consequence: synonymous variant.
Genome position (GRCh38, 1-based): chr3:189,864,351, A>G. VCF-style: chr3-189864351-A-G. GRCh37 (hg19) VCF-style: chr3-189582140-A-G.
Other names: c.699A>G, p.Lys233= (NM_001114978.2, NM_001114979.2, NM_001329144.2 and 1 more transcripts); c.417A>G, p.Lys139= (NM_001114980.2, NM_001114981.2, NM_001114982.2 and 2 more transcripts); c.162A>G, p.Lys54= (NM_001329146.2, NM_001329150.2); c.693A>G, p.Lys231= (NM_001329964.2).
Identifiers: ClinVar variation 344382 (VCV000344382.28), dbSNP rs199727371, ClinGen allele CA2752229.

ClinVar aggregate classification (germline): Conflicting classifications of pathogenicity. Review status: criteria provided, conflicting classifications (1 of 4 stars). 7 submissions from 5 submitters: Uncertain significance (1); Likely benign (5). 1 of the submissions does not count toward it. Last evaluated 2025-01-08.

Conditions:
Orofacial cleft 8. Also called: Cleft lip with or without cleft palate, nonsyndromic, 8. Identifiers: MedGen C1851878, MONDO:0029145, OMIM 618149.
TP63-related disorder. Also called: TP63-related condition; TP63-Related Disorders. Identifiers: MedGen CN380159.
TP63-Related Spectrum Disorders.
Ectrodactyly, ectodermal dysplasia, and cleft lip-palate syndrome 3. Also called: EEC SYNDROME 3; Ectrodactyly, Ectodermal Dysplasia, Cleft Lip/Palate Syndrome 3 (EEC3); Ectrodactyly, Ectodermal Dysplasia, Clefting Syndrome; Ectrodactyly, Ectodermal Dysplasia, Clefting Syndrome Type 3 (EEC3). Identifiers: Orphanet 1896, MedGen C1858562, MONDO:0011428, OMIM 604292.

Allele frequency attached by ClinVar (database versions not stated): ESP Exome Variant Server 0.00008; ExAC 0.00009; gnomAD exomes 0.00009 and 0.00024; gnomAD 0.00011 and 0.00014; 1000 Genomes Project 0.00020; TOPMed 0.00021; 1000 Genomes Project 30x 0.00031.
gnomAD v4.1: 374 of 1,614,136 alleles (0.023%); highest among the groups gnomAD compares: Admixed American, 0.03%; 1 homozygote.

Submissions (7):

Labcorp Genetics (formerly Invitae), Labcorp
Classification: Likely benign. Last evaluated: 2025-01-08. Review status: criteria provided, single submitter. Criteria: Invitae Variant Classification Sherloc (09022015). Collection method: clinical testing. Allele origin: germline.

CeGaT Center for Human Genetics Tuebingen
Classification: Likely benign. Last evaluated: 2024-12-01. Review status: criteria provided, single submitter. Criteria: CeGaT Center For Human Genetics Tuebingen Variant Classification Criteria Version 2. Collection method: clinical testing. Allele origin: germline. Affected: yes. Observed: 1 variant allele.
Comment: TP63: BP4, BP7

Blueprint Genetics
Classification: Likely benign. Last evaluated: 2024-11-01. Review status: criteria provided, single submitter. Criteria: ACMG Guidelines, 2015. Collection method: clinical testing. Allele origin: germline.

Illumina Laboratory Services, Illumina
Classification: Uncertain significance for Orofacial cleft 8. Last evaluated: 2018-01-12. Review status: criteria provided, single submitter. Criteria: ICSL Variant Classification Criteria 13 December 2019. Collection method: clinical testing. Allele origin: germline.

Illumina Laboratory Services, Illumina
Classification: Likely benign for Ectrodactyly, ectodermal dysplasia, and cleft lip-palate syndrome 3. Last evaluated: 2018-01-12. Review status: criteria provided, single submitter. Criteria: ICSL Variant Classification Criteria 13 December 2019. Collection method: clinical testing. Allele origin: germline.
Comment: This variant was observed in the ICSL laboratory as part of a predisposition screen in an ostensibly healthy population. It had not been previously curated by ICSL or reported in the Human Gene Mutation Database (HGMD: prior to June 1st, 2018), and was therefore a candidate for classification through an automated scoring system. Utilizing variant allele frequency, disease prevalence and penetrance estimates, and inheritance mode, an automated score was calculated to assess if this variant is too frequent to cause the disease. Based on the score and internal cut-off values, a variant classified as likely benign is not then subjected to further curation. The score for this variant resulted in a classification of likely benign for this disease.

Illumina Laboratory Services, Illumina
Classification: Likely benign for TP63-Related Spectrum Disorders. Last evaluated: 2018-01-12. Review status: criteria provided, single submitter. Criteria: ICSL Variant Classification Criteria 13 December 2019. Collection method: clinical testing. Allele origin: germline.
Comment: the same text as in the submission from Illumina Laboratory Services, Illumina above.

PreventionGenetics, part of Exact Sciences
Classification: Likely benign for TP63-related condition. Last evaluated: 2021-01-22. Review status: no assertion criteria provided. Collection method: clinical testing. Allele origin: germline. Not counted in ClinVar's aggregate classification.
Comment: This variant is classified as likely benign based on ACMG/AMP sequence variant interpretation guidelines (Richards et al. 2015 PMID: 25741868, with internal and published modifications).